The following is an entry in ClinVar:

NM_000081.4(LYST):c.6786G>T (p.Trp2262Cys)

Gene: LYST (lysosomal trafficking regulator; minus strand). Cytogenetic location: 1q42.3.
Variant type: single nucleotide variant.
Coding change: c.6786G>T on transcript NM_000081.4 (MANE Select); coding-DNA position 6786, G replaced by T.
Protein change: p.Trp2262Cys; replaces tryptophan 2262 with cysteine.
Molecular consequence: missense variant.
Genome position (GRCh38, 1-based): chr1:235,759,067, C>A on the plus strand (G>T on the coding strand, the complement: LYST is on the minus strand). VCF-style: chr1-235759067-C-A. GRCh37 (hg19) VCF-style: chr1-235922367-C-A.
Other names: c.6786G>T, p.Trp2262Cys (NM_001301365.1); short protein forms W2262C.
Identifiers: ClinVar variation 2848917 (VCV002848917.3), dbSNP rs747469667, ClinGen allele CA344939386.

ClinVar aggregate classification (germline): Uncertain significance (1 of 4 stars; one submission).

Conditions:
Chédiak-Higashi syndrome (CHS). Also called: Chediak-Higashi Syndrome. Identifiers: Orphanet 167, MedGen C0007965, MONDO:0008963, OMIM 214500.

Submission:

Labcorp Genetics (formerly Invitae), Labcorp
Classification: Uncertain significance for Chédiak-Higashi syndrome. Last evaluated: 2023-04-18. Review status: criteria provided, single submitter. Criteria: Invitae Variant Classification Sherloc (09022015). Collection method: clinical testing. Allele origin: germline.
Comment: This variant is present in population databases (no rsID available, gnomAD 0.002%), including at least one homozygous and/or hemizygous individual. This sequence change replaces tryptophan, which is neutral and slightly polar, with cysteine, which is neutral and slightly polar, at codon 2262 of the LYST protein (p.Trp2262Cys). This variant has not been reported in the literature in individuals affected with LYST-related conditions. Advanced modeling of protein sequence and biophysical properties (such as structural, functional, and spatial information, amino acid conservation, physicochemical variation, residue mobility, and thermodynamic stability) has been performed at Invitae for this missense variant, however the output from this modeling did not meet the statistical confidence thresholds required to predict the impact of this variant on LYST protein function. In summary, the available evidence is currently insufficient to determine the role of this variant in disease. Therefore, it has been classified as a Variant of Uncertain Significance.